The following is an entry in ClinVar:

NM_001170629.2(CHD8):c.5252G>A (p.Arg1751His)

Gene: CHD8 (chromodomain helicase DNA binding protein 8; minus strand). Cytogenetic location: 14q11.2.
Variant type: single nucleotide variant.
Coding change: c.5252G>A on transcript NM_001170629.2 (MANE Select); coding-DNA position 5252, G replaced by A.
Protein change: p.Arg1751His; replaces arginine 1751 with histidine.
Molecular consequence: missense variant.
Genome position (GRCh38, 1-based): chr14:21,395,050, C>T on the plus strand (G>A on the coding strand, the complement: CHD8 is on the minus strand). VCF-style: chr14-21395050-C-T. GRCh37 (hg19) VCF-style: chr14-21863209-C-T.
Other names: c.4415G>A, p.Arg1472His (NM_020920.4); short protein forms R1751H, R1472H.
Identifiers: ClinVar variation 3009462 (VCV003009462.5), dbSNP rs2501863277, ClinGen allele CA388884176.

ClinVar aggregate classification (germline): Uncertain significance. Review status: criteria provided, multiple submitters, no conflicts (2 of 4 stars). 2 submissions from 2 submitters: Uncertain significance (2). Last evaluated 2025-01-14.

Allele frequency attached by ClinVar (database versions not stated): gnomAD exomes below 0.00001.
gnomAD v4.1: 4 of 1,614,022 alleles (0.00025%); highest among the groups gnomAD compares: Non-Finnish European, 0.00025%; no homozygotes.

Submissions (2):

Dasa
Classification: Uncertain significance. Last evaluated: 2025-01-14. Review status: criteria provided, single submitter. Criteria: DASA Assertion Criteria. Collection method: clinical testing. Allele origin: germline.
Comment: NM_001170629.2(CHD8):c.5252G>A (p.Arg1751His) is a missense variant that results in the substitution of arginine with histidine. This variant is rare in population databases. Computational prediction algorithms are consistent with a deleterious effect. The currently available literature and clinical evidence are not sufficient to establish a definitive association between this variant and the reported condition. Therefore, this variant is classified as a variant of uncertain significance.

Labcorp Genetics (formerly Invitae), Labcorp
Classification: Uncertain significance. Last evaluated: 2024-03-25. Review status: criteria provided, single submitter. Criteria: Invitae Variant Classification Sherloc (09022015). Collection method: clinical testing. Allele origin: germline.
Comment: This sequence change replaces arginine, which is basic and polar, with histidine, which is basic and polar, at codon 1751 of the CHD8 protein (p.Arg1751His). This variant is not present in population databases (gnomAD no frequency). This missense change has been observed in individual(s) with neurodevelopmental disorders (PMID: 33004838). Advanced modeling of protein sequence and biophysical properties (such as structural, functional, and spatial information, amino acid conservation, physicochemical variation, residue mobility, and thermodynamic stability) performed at Invitae indicates that this missense variant is expected to disrupt CHD8 protein function with a positive predictive value of 80%. In summary, the available evidence is currently insufficient to determine the role of this variant in disease. Therefore, it has been classified as a Variant of Uncertain Significance.

Literature cited by the submitters: PubMed 33004838 (cited by Labcorp Genetics (formerly Invitae), Labcorp).